The following is an entry in ClinVar:

NM_003835.4(RGS9):c.1609G>C (p.Glu537Gln)

Gene: RGS9 (regulator of G protein signaling 9; plus strand). Cytogenetic location: 17q24.1.
Variant type: single nucleotide variant.
Coding change: c.1609G>C on transcript NM_003835.4 (MANE Select); coding-DNA position 1609, G replaced by C.
Protein change: p.Glu537Gln; replaces glutamic acid 537 with glutamine.
Molecular consequence: missense variant.
Genome position (GRCh38, 1-based): chr17:65,225,203, G>C. VCF-style: chr17-65225203-G-C. GRCh37 (hg19) VCF-style: chr17-63221321-G-C.
Other names: c.1600G>C, p.Glu534Gln (NM_001081955.3); short protein forms E534Q, E537Q.
Identifiers: ClinVar variation 946531 (VCV000946531.9), dbSNP rs1366092995, ClinGen allele CA400673618.

ClinVar aggregate classification (germline): Uncertain significance (1 of 4 stars; one submission).

Allele frequency attached by ClinVar (database versions not stated): TOPMed 0.00001.
gnomAD v4.1: 2 of 1,613,054 alleles (0.00012%); highest among the groups gnomAD compares: African/African-American, 0.0027%; no homozygotes.

Submission:

Labcorp Genetics (formerly Invitae), Labcorp
Classification: Uncertain significance. Last evaluated: 2024-10-29. Review status: criteria provided, single submitter. Criteria: Invitae Variant Classification Sherloc (09022015). Collection method: clinical testing. Allele origin: germline.
Comment: This sequence change replaces glutamic acid, which is acidic and polar, with glutamine, which is neutral and polar, at codon 537 of the RGS9 protein (p.Glu537Gln). This variant is not present in population databases (gnomAD no frequency). This variant has not been reported in the literature in individuals affected with RGS9-related conditions. ClinVar contains an entry for this variant (Variation ID: 946531). An algorithm developed to predict the effect of missense changes on protein structure and function (PolyPhen-2) suggests that this variant is likely to be tolerated. In summary, the available evidence is currently insufficient to determine the role of this variant in disease. Therefore, it has been classified as a Variant of Uncertain Significance.